The following is an entry in ClinVar:

NM_000363.5(TNNI3):c.624T>G (p.Phe208Leu)

Gene: TNNI3 (troponin I3, cardiac type; minus strand). Cytogenetic location: 19q13.42.
Variant type: single nucleotide variant.
Coding change: c.624T>G on transcript NM_000363.5 (MANE Select); coding-DNA position 624, T replaced by G.
Protein change: p.Phe208Leu; replaces phenylalanine 208 with leucine.
Molecular consequence: missense variant.
Genome position (GRCh38, 1-based): chr19:55,151,843, A>C on the plus strand (T>G on the coding strand, the complement: TNNI3 is on the minus strand). VCF-style: chr19-55151843-A-C. GRCh37 (hg19) VCF-style: chr19-55663211-A-C.
Other names: short protein forms F208L.
Identifiers: ClinVar variation 229335 (VCV000229335.5), dbSNP rs876658026, ClinGen allele CA10577112.

ClinVar aggregate classification (germline): Uncertain significance (1 of 4 stars; one submission).

Submission:

Laboratory for Molecular Medicine, Mass General Brigham Personalized Medicine
Classification: Uncertain significance. Last evaluated: 2016-01-22. Review status: criteria provided, single submitter. Criteria: LMM Criteria. Collection method: clinical testing. Allele origin: germline. Observed: 1 variant allele.
Comment: The p.Phe208Leu variant in TNNI3 has not been previously reported in individuals with cardiomyopathy or in large population studies. Computational prediction to ols and conservation analysis do not provide strong support for or against an im pact to the protein. In summary, the clinical significance of the p.Phe208Leu va riant is uncertain.